The following is an entry in ClinVar:

NM_000092.5(COL4A4):c.1777G>A (p.Gly593Arg)

Gene: COL4A4 (collagen type IV alpha 4 chain; minus strand). Cytogenetic location: 2q36.3.
Variant type: single nucleotide variant.
Coding change: c.1777G>A on transcript NM_000092.5 (MANE Select); coding-DNA position 1777, G replaced by A.
Protein change: p.Gly593Arg; replaces glycine 593 with arginine.
Molecular consequence: missense variant.
Genome position (GRCh38, 1-based): chr2:227,080,469, C>T on the plus strand (G>A on the coding strand, the complement: COL4A4 is on the minus strand). VCF-style: chr2-227080469-C-T. GRCh37 (hg19) VCF-style: chr2-227945185-C-T.
Other names: short protein forms G593R.
Identifiers: ClinVar variation 4817296 (VCV004817296.2).

ClinVar aggregate classification (germline): Likely pathogenic. Review status: criteria provided, multiple submitters, no conflicts (2 of 4 stars). 2 submissions from 2 submitters: Likely pathogenic (2). Last evaluated 2025-09-04.

Conditions:
Autosomal recessive Alport syndrome (ATS2). Also called: COL4A4 Alport Syndrome and Thin Basement Membrane Nephropathy; Alport syndrome type 2; COL4A3-Related Nephropathy; ALPORT SYNDROME 2, AUTOSOMAL RECESSIVE. Identifiers: Orphanet 63, Orphanet 88919, MedGen C4746745, MONDO:0008762, OMIM 203780.
Alport syndrome. Also called: Hemorrhagic familial nephritis; Hemorrhagic hereditary nephritis; Congenital hereditary hematuria. Identifiers: Orphanet 63, MedGen C1567741, MONDO:0018965.

Submissions (2):

Natera, Inc.
Classification: Likely pathogenic for Alport syndrome. Last evaluated: 2025-09-04. Review status: criteria provided, single submitter. Criteria: Natera Variant Classification Schema (03/2026). Collection method: clinical testing. Allele origin: germline.
Comment: The c.1777G>A variant in COL4A4 is a missense variant predicted to cause substitution of glycine to arginine at amino acid 593. This variant is rare in the general population with a frequency below the threshold expected for the associated phenotype(s). This variant is located in a functionally critical region of the protein. Computational prediction algorithms indicate this variant is likely to affect gene or protein function. Given the available evidence, this variant is classified as Likely Pathogenic.

Clinical Genetics Service, Universitary Hospital 12 de Octubre
Classification: Likely pathogenic for Autosomal recessive Alport syndrome. Review status: criteria provided, single submitter. Criteria: ACMG Guidelines, 2015. Collection method: clinical testing. Allele origin: germline. Affected: yes.